The following is an entry in ClinVar:

ClinVar aggregate classification (germline): Conflicting classifications of pathogenicity. Review status: criteria provided, conflicting classifications (1 of 4 stars). 4 submissions from 4 submitters: Pathogenic (1); Likely pathogenic (1); Uncertain significance (1). 1 of the submissions does not count toward it. Last evaluated 2025-09-24.

Conditions:
CACNA1A-related disorder. Also called: CACNA1A-related condition.
Seizure. Also called: Seizures. Identifiers: MedGen C0036572, HP:0001250.

gnomAD v4.1: 1 of 1,566,736 alleles (0.000064%); no homozygotes.

Submissions (4):

GeneDx
Classification: Pathogenic. Last evaluated: 2025-09-24. Review status: criteria provided, single submitter. Criteria: GeneDx Variant Classification Process June 2021. Collection method: clinical testing. Allele origin: germline. Affected: yes.
Comment: Alters the last nucleotide of the exon and is predicted to destroy the splice donor site and result in aberrant splicing, although in the absence of functional evidence the actual effect of this sequence change is unknown; Not observed at significant frequency in large population cohorts (gnomAD); This variant is associated with the following publications: (PMID: 33445191, 37326332, 32336275)

Cytogénomique, Hospices Civils de Lyon
Classification: Likely pathogenic for Seizure. Last evaluated: 2024-09-26. Review status: criteria provided, single submitter. Criteria: ACMG Guidelines, 2015. Collection method: clinical testing. Allele origin: unknown. Affected: yes.

Athena Diagnostics
Classification: Uncertain significance. Last evaluated: 2018-03-01. Review status: criteria provided, single submitter. Criteria: Athena Diagnostics Criteria. Collection method: clinical testing. Allele origin: germline.

PreventionGenetics, part of Exact Sciences
Classification: Likely pathogenic for CACNA1A-related condition. Last evaluated: 2024-07-22. Review status: no assertion criteria provided. Collection method: clinical testing. Allele origin: germline. Not counted in ClinVar's aggregate classification.
Comment: The CACNA1A c.4250G>A variant is predicted to result in the amino acid substitution p.Arg1417Gln. This variant (also described as c.4262G>A, p.Arg1421Gln) was reported in an individual with episodic ataxia and their child with a more severe presentation including developmental delay, poor motor coordination, hemiplegic migraine attacks, behavioral dysregulation, and EEG abnormalities (Nardello et al. 2020. PubMed ID: 32336275). This variant has also been reported in the compound heterozygous state in an individual with ataxia, seizures, intellectual disability and oculomotor dysfunction and was inherited from the mother with minimal balance difficulty and mildly abnormal oculomotor function (Ko et al. 2021. PubMed ID: 33445191). This variant has not been reported in a large population database, indicating this variant is rare. This variant is interpreted as likely pathogenic.

NM_001127222.2(CACNA1A):c.4250G>A (p.Arg1417Gln)

Genes: CACNA1A (calcium voltage-gated channel subunit alpha1 A; minus strand), LOC126862864 (MED14-independent group 3 enhancer GRCh37_chr19:13371552-13372751; plus strand). Cytogenetic location: 19p13.13.
Variant type: single nucleotide variant.
Coding change: c.4250G>A on transcript NM_001127222.2 (MANE Select); coding-DNA position 4250, G replaced by A.
Protein change: p.Arg1417Gln; replaces arginine 1417 with glutamine.
Molecular consequence: missense variant.
Genome position (GRCh38, 1-based): chr19:13,261,450, C>T on the plus strand (G>A on the coding strand, the complement: CACNA1A is on the minus strand). VCF-style: chr19-13261450-C-T. GRCh37 (hg19) VCF-style: chr19-13372264-C-T.
Other names: c.4250G>A (NM_001127222.1); c.4262G>A, p.Arg1421Gln (NM_000068.4, NM_023035.3); c.4253G>A, p.Arg1418Gln (NM_001127221.2, NM_001174080.2); short protein forms R1418Q, R1421Q, R1417Q.
Identifiers: ClinVar variation 585572 (VCV000585572.9), dbSNP rs1568471977, ClinGen allele CA404339521.